The following is an entry in ClinVar:

NM_020975.6(RET):c.2433C>T (p.Ser811=)

Gene: RET (ret proto-oncogene; plus strand). Cytogenetic location: 10q11.21.
Variant type: single nucleotide variant.
Coding change: c.2433C>T on transcript NM_020975.6 (MANE Select); coding-DNA position 2433, C replaced by T.
Protein change: p.Ser811=; no amino-acid change (serine 811 retained).
Molecular consequence: synonymous variant.
Genome position (GRCh38, 1-based): chr10:43,119,571, C>T. VCF-style: chr10-43119571-C-T. GRCh37 (hg19) VCF-style: chr10-43615019-C-T.
Other names: c.2433C>T, p.Ser811= (NM_000323.2, NM_001406743.1, NM_001406744.1 and 4 more transcripts); c.1671C>T, p.Ser557= (NM_001355216.2); c.2304C>T, p.Ser768= (NM_001406761.1, NM_001406762.1, NM_001406764.1); c.2298C>T, p.Ser766= (NM_001406763.1, NM_001406765.1); c.2145C>T, p.Ser715= (NM_001406766.1, NM_001406767.1, NM_001406770.1); c.2169C>T, p.Ser723= (NM_001406768.1); c.2037C>T, p.Ser679= (NM_001406769.1, NM_001406772.1); c.1995C>T, p.Ser665= (NM_001406771.1, NM_001406773.1); and 10 more.
Identifiers: ClinVar variation 1668576 (VCV001668576.12), dbSNP rs1290818295, ClinGen allele CA469479790.
Genomic context (GRCh38, chr10:43,119,571, plus strand): 5'-CCCCCTCTCTCCGCCCCCAGGCCCGCTCCTCCTCATCGTGGAGTACGCCAAATACGGCTC[C>T]CTGCGGGGCTTCCTCCGCGAGAGCCGCAAAGTGGGGCCTGGCTACCTGGGCAGTGGAGGC-3'
Protein context (NP_066124.1, residues 801-821): LLIVEYAKYG[Ser811=]LRGFLRESRK

ClinVar aggregate classification (germline): Benign/Likely benign. Review status: criteria provided, multiple submitters, no conflicts (2 of 4 stars). 4 submissions from 4 submitters: Benign (1); Likely benign (3). Last evaluated 2025-08-20.

Conditions:
Multiple endocrine neoplasia type 2A. Also called: MULTIPLE ENDOCRINE NEOPLASIA, TYPE IIA; PTC SYNDROME; SIPPLE SYNDROME; MEN 2A; MEN-2A syndrome; Pheochromocytoma and amyloid producing medullary thyroid carcinoma. Identifiers: Orphanet 247698, Orphanet 653, MedGen C0025268, MeSH D018813, MONDO:0008234, OMIM 171400.
Multiple endocrine neoplasia type 2B. Also called: MUCOSAL NEUROMA SYNDROME; MEN 2B; Multiple endocrine neoplasia, type 3; MULTIPLE ENDOCRINE NEOPLASIA, TYPE IIB; MEN IIB; NEUROMATA, MUCOSAL, WITH ENDOCRINE TUMORS. Identifiers: Orphanet 247709, Orphanet 653, MedGen C0025269, MeSH D018814, MONDO:0008082, OMIM 162300.
Pheochromocytoma. Also called: MAX-Related Hereditary Paraganglioma-Pheochromocytoma Syndrome. Identifiers: Orphanet 29072, MedGen C0031511, MONDO:0008233, OMIM 171300, HP:0002666.
Familial medullary thyroid carcinoma (MTC). Also called: Thyroid cancer, familial medullary; MTC, familial; Familial Medullary Thyroid Carcinoma (FMTC). Identifiers: Orphanet 653, Orphanet 99361, MedGen C1833921, MONDO:0007958, OMIM 155240.
Hirschsprung disease, susceptibility to, 1 (HSCR1). Also called: RET-Related Hirschsprung Disease. Identifiers: Orphanet 388, MedGen C3888239, MONDO:0007723, OMIM 142623.
Hereditary cancer-predisposing syndrome. Also called: Neoplastic Syndromes, Hereditary; Tumor predisposition; Hereditary Cancer Syndrome; Hereditary neoplastic syndrome. Identifiers: Orphanet 140162, MedGen C0027672, MeSH D009386, MONDO:0015356.
Multiple endocrine neoplasia, type 2 (MEN2). Identifiers: Orphanet 653, MedGen C4048306, MONDO:0019003. Disease mechanism: gain of function.

Allele frequency attached by ClinVar (database versions not stated): TOPMed 0.00001.

Submissions (4):

Labcorp Genetics (formerly Invitae), Labcorp
Classification: Likely benign for Multiple endocrine neoplasia, type 2. Last evaluated: 2025-08-20. Review status: criteria provided, single submitter. Criteria: Invitae Variant Classification Sherloc (09022015). Collection method: clinical testing. Allele origin: germline.

Myriad Genetics, Inc.
Classification: Benign for Multiple endocrine neoplasia type 2A. Last evaluated: 2025-02-27. Review status: criteria provided, single submitter. Criteria: Myriad Autosomal Dominant, Autosomal Recessive and X-Linked Classification Criteria (2023). Collection method: clinical testing. Allele origin: unknown.
Comment: This variant is considered benign. This variant is a silent/synonymous amino acid change and it is not expected to impact splicing.

Ambry Genetics
Classification: Likely benign for Hereditary cancer-predisposing syndrome. Last evaluated: 2023-09-16. Review status: criteria provided, single submitter. Criteria: Ambry Variant Classification Scheme 2023. Collection method: clinical testing. Allele origin: germline.

Fulgent Genetics
Classification: Likely benign for Hirschsprung disease, susceptibility to, 1; Familial medullary thyroid carcinoma; Multiple endocrine neoplasia type 2B; Pheochromocytoma; Multiple endocrine neoplasia type 2A. Last evaluated: 2021-11-02. Review status: criteria provided, single submitter. Criteria: ACMG Guidelines, 2015. Collection method: clinical testing. Allele origin: unknown.